The following is an entry in ClinVar:

ClinVar aggregate classification (germline): Uncertain significance. Review status: criteria provided, multiple submitters, no conflicts (2 of 4 stars). 2 submissions from 2 submitters: Uncertain significance (2). Last evaluated 2025-11-19.

Conditions:
Inborn genetic diseases. Identifiers: MedGen C0950123, MeSH D030342.

Allele frequency attached by ClinVar (database versions not stated): gnomAD exomes below 0.00001; ExAC 0.00001.
gnomAD v4.1: 6 of 1,613,094 alleles (0.00037%); highest among the groups gnomAD compares: Admixed American, 0.01%; no homozygotes.

Submissions (2):

Labcorp Genetics (formerly Invitae), Labcorp
Classification: Uncertain significance. Last evaluated: 2025-11-19. Review status: criteria provided, single submitter. Criteria: Invitae Variant Classification Sherloc (09022015). Collection method: clinical testing. Allele origin: germline.
Comment: This sequence change replaces proline, which is neutral and non-polar, with serine, which is neutral and polar, at codon 276 of the PMPCA protein (p.Pro276Ser). This variant is present in population databases (rs751187226, gnomAD 0.01%). This variant has not been reported in the literature in individuals affected with PMPCA-related conditions. ClinVar contains an entry for this variant (Variation ID: 2207314). Invitae Evidence Modeling of protein sequence and biophysical properties (such as structural, functional, and spatial information, amino acid conservation, physicochemical variation, residue mobility, and thermodynamic stability) indicates that this missense variant is not expected to disrupt PMPCA protein function with a negative predictive value of 80%. In summary, the available evidence is currently insufficient to determine the role of this variant in disease. Therefore, it has been classified as a Variant of Uncertain Significance.

Ambry Genetics
Classification: Uncertain significance for Inborn genetic diseases. Last evaluated: 2022-05-06. Review status: criteria provided, single submitter. Criteria: Ambry Variant Classification Scheme 2023. Collection method: clinical testing. Allele origin: germline.

NM_015160.3(PMPCA):c.826C>T (p.Pro276Ser)

Genes: PMPCA (peptidase, mitochondrial processing subunit alpha; plus strand), LOC126860792 (CDK7 strongly-dependent group 2 enhancer GRCh37_chr9:139310410-139311609; plus strand). Cytogenetic location: 9q34.3.
Variant type: single nucleotide variant.
Coding change: c.826C>T on transcript NM_015160.3 (MANE Select); coding-DNA position 826, C replaced by T.
Protein change: p.Pro276Ser; replaces proline 276 with serine.
Molecular consequence: missense variant.
Genome position (GRCh38, 1-based): chr9:136,417,143, C>T. VCF-style: chr9-136417143-C-T. GRCh37 (hg19) VCF-style: chr9-139311595-C-T.
Other names: c.433C>T, p.Pro145Ser (NM_001282944.2); c.526C>T, p.Pro176Ser (NM_001282946.2); short protein forms P276S, P145S, P176S.
Identifiers: ClinVar variation 2207314 (VCV002207314.3), dbSNP rs751187226, ClinGen allele CA5336169.